The following is an entry in ClinVar:

ClinVar aggregate classification (germline): Uncertain significance (1 of 4 stars; one submission).

Allele frequency attached by ClinVar (database versions not stated): gnomAD exomes below 0.00001.
gnomAD v4.1: 2 of 1,549,046 alleles (0.00013%); highest among the groups gnomAD compares: Non-Finnish European, 0.00017%; no homozygotes.

Submission:

Labcorp Genetics (formerly Invitae), Labcorp
Classification: Uncertain significance. Last evaluated: 2022-07-01. Review status: criteria provided, single submitter. Criteria: Invitae Variant Classification Sherloc (09022015). Collection method: clinical testing. Allele origin: germline.
Comment: In summary, the available evidence is currently insufficient to determine the role of this variant in disease. Therefore, it has been classified as a Variant of Uncertain Significance. Algorithms developed to predict the effect of missense changes on protein structure and function output the following: SIFT: "Tolerated"; PolyPhen-2: "Benign"; Align-GVGD: "Class C0". The isoleucine amino acid residue is found in multiple mammalian species, which suggests that this missense change does not adversely affect protein function. This variant has not been reported in the literature in individuals affected with ZNF469-related conditions. This variant is not present in population databases (gnomAD no frequency). This sequence change replaces phenylalanine, which is neutral and non-polar, with isoleucine, which is neutral and non-polar, at codon 1193 of the ZNF469 protein (p.Phe1193Ile).

NM_001367624.2(ZNF469):c.3661T>A (p.Phe1221Ile)

Gene: ZNF469 (zinc finger protein 469; plus strand). Cytogenetic location: 16q24.2.
Variant type: single nucleotide variant.
Coding change: c.3661T>A on transcript NM_001367624.2 (MANE Select); coding-DNA position 3661, T replaced by A.
Protein change: p.Phe1221Ile; replaces phenylalanine 1221 with isoleucine.
Molecular consequence: missense variant.
Genome position (GRCh38, 1-based): chr16:88,431,131, T>A. VCF-style: chr16-88431131-T-A. GRCh37 (hg19) VCF-style: chr16-88497539-T-A.
Other names: short protein forms F1221I.
Identifiers: ClinVar variation 2012893 (VCV002012893.3), dbSNP rs1906146648, ClinGen allele CA397086006.
Genomic context (GRCh38, chr16:88,431,131, plus strand): 5'-GATCCCCTGCAGGTCCCCACCAACACCGAGACCTCAGAGGAAACCCGCCCGTCGCTGGAC[T>A]TTCCCCAGGAGGCCAAGGAGCCTGAAACTGCCGAAGAGTCAGCCCCGGACAGCACAGAAT-3'
Protein context (NP_001354553.1, residues 1211-1231): TSEETRPSLD[Phe1221Ile]PQEAKEPETA